The following is an entry in ClinVar:

ClinVar aggregate classification (germline): Uncertain significance (1 of 4 stars; one submission).

Submission:

Labcorp Genetics (formerly Invitae), Labcorp
Classification: Uncertain significance. Last evaluated: 2025-03-18. Review status: criteria provided, single submitter. Criteria: Invitae Variant Classification Sherloc (09022015). Collection method: clinical testing. Allele origin: germline.
Comment: This sequence change replaces aspartic acid, which is acidic and polar, with serine, which is neutral and polar, at codon 273 of the MMP14 protein (p.Asp273Ser). The frequency data for this variant in the population databases is considered unreliable, as metrics indicate poor data quality at this position in the gnomAD database. This variant has not been reported in the literature in individuals affected with MMP14-related conditions. An algorithm developed to predict the effect of missense changes on protein structure and function (PolyPhen-2) suggests that this variant is likely to be tolerated. In summary, the available evidence is currently insufficient to determine the role of this variant in disease. Therefore, it has been classified as a Variant of Uncertain Significance.

NM_004995.4(MMP14):c.817_818delinsAG (p.Asp273Ser)

Gene: MMP14 (matrix metallopeptidase 14; plus strand). Cytogenetic location: 14q11.2.
Variant type: Indel.
Coding change: c.817_818delinsAG on transcript NM_004995.4 (MANE Select); coding-DNA positions 817 to 818, GA replaced by AG.
Protein change: p.Asp273Ser; replaces aspartic acid 273 with serine.
Molecular consequence: missense variant.
Genome position (GRCh38, 1-based): chr14:22,843,385-22,843,386, GA replaced by AG. VCF-style: chr14-22843385-GA-AG. GRCh37 (hg19) VCF-style: chr14-23312594-GA-AG.
Other names: short protein forms D273S.
Identifiers: ClinVar variation 4778352 (VCV004778352.1).
Genomic context (GRCh38, chr14:22,843,385, plus strand): 5'-CCCTCGGCCATCATGGCACCCTTTTACCAGTGGATGGACACGGAGAATTTTGTGCTGCCC[GA>AG]TGATGACCGCCGGGGCATCCAGCAACTTTATGGCGAGTAGTCTACACCCACGCCTGCTCC-3'
Protein context (NP_004986.1, residues 263-283): WMDTENFVLP[Asp273Ser]DDRRGIQQLY